The following is an entry in ClinVar:

NM_007215.4(POLG2):c.410C>T (p.Pro137Leu)

Genes: MILR1 (mast cell immunoglobulin like receptor 1; plus strand), POLG2 (DNA polymerase gamma 2, accessory subunit; minus strand). Cytogenetic location: 17q23.3.
Variant type: single nucleotide variant.
Coding change: c.410C>T on transcript NM_007215.4 (MANE Select); coding-DNA position 410, C replaced by T.
Protein change: p.Pro137Leu; replaces proline 137 with leucine.
Molecular consequence: missense variant.
Genome position (GRCh38, 1-based): chr17:64,496,559, G>A on the plus strand (C>T on the coding strand, the complement: POLG2 is on the minus strand). VCF-style: chr17-64496559-G-A. GRCh37 (hg19) VCF-style: chr17-62492677-G-A.
Other names: short protein forms P137L.
Identifiers: ClinVar variation 2781080 (VCV002781080.3), dbSNP rs1555669551, ClinGen allele CA400640991.

ClinVar aggregate classification (germline): Uncertain significance (1 of 4 stars; one submission).

gnomAD v4.1: 2 of 1,613,854 alleles (0.00012%); highest among the groups gnomAD compares: Non-Finnish European, 0.00017%; no homozygotes.

Submission:

Labcorp Genetics (formerly Invitae), Labcorp
Classification: Uncertain significance. Last evaluated: 2023-03-29. Review status: criteria provided, single submitter. Criteria: Invitae Variant Classification Sherloc (09022015). Collection method: clinical testing. Allele origin: germline.
Comment: In summary, the available evidence is currently insufficient to determine the role of this variant in disease. Therefore, it has been classified as a Variant of Uncertain Significance. This sequence change replaces proline, which is neutral and non-polar, with leucine, which is neutral and non-polar, at codon 137 of the POLG2 protein (p.Pro137Leu). An algorithm developed to predict the effect of missense changes on protein structure and function (PolyPhen-2) suggests that this variant is likely to be tolerated. This variant has not been reported in the literature in individuals affected with POLG2-related conditions. This variant is present in population databases (no rsID available, gnomAD 0.0009%).